The following is an entry in ClinVar:

NM_001085487.3(MYSM1):c.275dup (p.Asp92fs)

Gene: MYSM1 (Myb like, SWIRM and MPN domains 1; minus strand). Cytogenetic location: 1p32.1.
Variant type: Duplication.
Coding change: c.275dup on transcript NM_001085487.3 (MANE Select); coding-DNA position 275, one base duplicated (A; older notation c.275dupA).
Protein change: p.Asp92fs; shifts the reading frame from aspartic acid 92.
Molecular consequence: frameshift variant.
Genome position (GRCh38, 1-based): chr1:58,690,361, T duplicated on the plus strand (A on the coding strand, the reverse complement: MYSM1 is on the minus strand). VCF-style (leftmost placement, unchanged base first): chr1-58690360-A-AT. GRCh37 (hg19) VCF-style: chr1-59156032-A-AT.
Other names: short protein forms D92fs.
Identifiers: ClinVar variation 2023446 (VCV002023446.4), dbSNP rs755178846, ClinGen allele CA878094.

ClinVar aggregate classification (germline): Pathogenic (1 of 4 stars; one submission).

Allele frequency attached by ClinVar (database versions not stated): ExAC 0.00001.

Submission:

Labcorp Genetics (formerly Invitae), Labcorp
Classification: Pathogenic. Last evaluated: 2022-11-08. Review status: criteria provided, single submitter. Criteria: Invitae Variant Classification Sherloc (09022015). Collection method: clinical testing. Allele origin: germline.
Comment: For these reasons, this variant has been classified as Pathogenic. This variant has not been reported in the literature in individuals affected with MYSM1-related conditions. This variant is present in population databases (rs755178846, gnomAD 0.0009%). This sequence change creates a premature translational stop signal (p.Asp92Glufs*2) in the MYSM1 gene. It is expected to result in an absent or disrupted protein product. Loss-of-function variants in MYSM1 are known to be pathogenic (PMID: 24288411, 28115216).

Literature cited by the submitters: PubMed 24288411; PubMed 28115216.